The following is an entry in ClinVar:

NC_000009.11:g.(?_79894819)_(79896407_?)del

Gene: VPS13A (vacuolar protein sorting 13 homolog A; plus strand). Cytogenetic location: 9q21.2.
Variant type: Deletion.
Identifiers: ClinVar variation 3245372 (VCV003245372.1).

ClinVar aggregate classification (germline): Pathogenic (1 of 4 stars; one submission).

Submission:

Labcorp Genetics (formerly Invitae), Labcorp
Classification: Pathogenic. Last evaluated: 2023-11-27. Review status: criteria provided, single submitter. Criteria: Invitae Variant Classification Sherloc (09022015). Collection method: clinical testing. Allele origin: unknown.
Comment: This variant is a gross deletion of the genomic region encompassing exon(s) 27 of the VPS13A gene. This deletion is out-of-frame, and is expected to create a premature termination codon and result in an absent or disrupted protein product. Loss-of-function variants in VPS13A are known to be pathogenic (PMID: 12404112, 21598378). This variant has not been reported in the literature in individuals affected with VPS13A-related conditions. For these reasons, this variant has been classified as Pathogenic.

Literature cited by the submitters: PubMed 12404112; PubMed 21598378.